The following is an entry in ClinVar:

NM_170784.3(MKKS):c.94A>G (p.Ile32Val)

Gene: MKKS (MKKS centrosomal shuttling protein; minus strand). Cytogenetic location: 20p12.2.
Variant type: single nucleotide variant.
Coding change: c.94A>G on transcript NM_170784.3 (MANE Select); coding-DNA position 94, A replaced by G.
Protein change: p.Ile32Val; replaces isoleucine 32 with valine.
Molecular consequence: missense variant.
Genome position (GRCh38, 1-based): chr20:10,413,421, T>C on the plus strand (A>G on the coding strand, the complement: MKKS is on the minus strand). VCF-style: chr20-10413421-T-C. GRCh37 (hg19) VCF-style: chr20-10394069-T-C.
Other names: c.94A>G, p.Ile32Val (NM_018848.3); short protein forms I32V.
Identifiers: ClinVar variation 1057239 (VCV001057239.9), dbSNP rs578110162, ClinGen allele CA9763743.

ClinVar aggregate classification (germline): Uncertain significance (1 of 4 stars; one submission).

Conditions:
Bardet-Biedl syndrome (BBS). Identifiers: Orphanet 110, MedGen C0752166, MONDO:0015229.
McKusick-Kaufman syndrome (MKKS). Also called: HYDROMETROCOLPOS SYNDROME; HYDROMETROCOLPOS, POSTAXIAL POLYDACTYLY, AND CONGENITAL HEART MALFORMATION. Identifiers: Orphanet 2473, MedGen C0948368, MONDO:0009367, OMIM 236700.

Allele frequency attached by ClinVar (database versions not stated): ExAC 0.00001; 1000 Genomes Project 30x 0.00016; 1000 Genomes Project 0.00020.

Submission:

Labcorp Genetics (formerly Invitae), Labcorp
Classification: Uncertain significance for McKusick-Kaufman syndrome; Bardet-Biedl syndrome. Last evaluated: 2020-07-30. Review status: criteria provided, single submitter. Criteria: Invitae Variant Classification Sherloc (09022015). Collection method: clinical testing. Allele origin: germline.
Comment: In summary, the available evidence is currently insufficient to determine the role of this variant in disease. Therefore, it has been classified as a Variant of Uncertain Significance. Algorithms developed to predict the effect of missense changes on protein structure and function output the following: SIFT: "Tolerated"; PolyPhen-2: "Benign"; Align-GVGD: "Class C0". The valine amino acid residue is found in multiple mammalian species, suggesting that this missense change does not adversely affect protein function. These predictions have not been confirmed by published functional studies and their clinical significance is uncertain. This variant has not been reported in the literature in individuals with MKKS-related conditions. The frequency data for this variant in the population databases is considered unreliable, as metrics indicate poor data quality at this position in the ExAC database. This sequence change replaces isoleucine with valine at codon 32 of the MKKS protein (p.Ile32Val). The isoleucine residue is moderately conserved and there is a small physicochemical difference between isoleucine and valine.